The following is an entry in ClinVar:

NM_014714.4(IFT140):c.1952A>G (p.His651Arg)

Gene: IFT140 (intraflagellar transport 140; minus strand). Cytogenetic location: 16p13.3.
Variant type: single nucleotide variant.
Coding change: c.1952A>G on transcript NM_014714.4 (MANE Select); coding-DNA position 1952, A replaced by G.
Protein change: p.His651Arg; replaces histidine 651 with arginine.
Molecular consequence: missense variant.
Genome position (GRCh38, 1-based): chr16:1,564,112, T>C on the plus strand (A>G on the coding strand, the complement: IFT140 is on the minus strand). VCF-style: chr16-1564112-T-C. GRCh37 (hg19) VCF-style: chr16-1614113-T-C.
Other names: short protein forms H651R.
Identifiers: ClinVar variation 2091162 (VCV002091162.4), dbSNP rs1364039933, ClinGen allele CA394205001.

ClinVar aggregate classification (germline): Uncertain significance (1 of 4 stars; one submission).

Conditions:
Saldino-Mainzer syndrome (SRTD9). Also called: CONORENAL SYNDROME; Renal dysplasia, retinal pigmentary dystrophy, cerebellar ataxia and skeletal dysplasia; SHORT-RIB THORACIC DYSPLASIA 9 WITHOUT POLYDACTYLY; short-rib thoracic dysplasia 9 with or without polydactyly. Identifiers: Orphanet 140969, MedGen C1849437, MONDO:0009964, OMIM 266920.

Allele frequency attached by ClinVar (database versions not stated): gnomAD exomes below 0.00001; TOPMed below 0.00001.
gnomAD v4.1: 1 of 1,596,928 alleles (0.000063%); highest among the groups gnomAD compares: South Asian, 0.0011%; no homozygotes.

Submission:

Labcorp Genetics (formerly Invitae), Labcorp
Classification: Uncertain significance for Saldino-Mainzer syndrome. Last evaluated: 2025-12-09. Review status: criteria provided, single submitter. Criteria: Invitae Variant Classification Sherloc (09022015). Collection method: clinical testing. Allele origin: germline.
Comment: This sequence change replaces histidine, which is basic and polar, with arginine, which is basic and polar, at codon 651 of the IFT140 protein (p.His651Arg). This variant is not present in population databases (gnomAD no frequency). This variant has not been reported in the literature in individuals affected with IFT140-related conditions. ClinVar contains an entry for this variant (Variation ID: 2091162). Invitae Evidence Modeling of protein sequence and biophysical properties (such as structural, functional, and spatial information, amino acid conservation, physicochemical variation, residue mobility, and thermodynamic stability) has been performed for this missense variant. However, the output from this modeling did not meet the statistical confidence thresholds required to predict the impact of this variant on IFT140 protein function. In summary, the available evidence is currently insufficient to determine the role of this variant in disease. Therefore, it has been classified as a Variant of Uncertain Significance.